The following is an entry in ClinVar:

NM_182920.2(ADAMTS9):c.4732C>T (p.Arg1578Cys)

Gene: ADAMTS9 (ADAM metallopeptidase with thrombospondin type 1 motif 9; minus strand). Cytogenetic location: 3p14.1.
Variant type: single nucleotide variant.
Coding change: c.4732C>T on transcript NM_182920.2 (MANE Select); coding-DNA position 4732, C replaced by T.
Protein change: p.Arg1578Cys; replaces arginine 1578 with cysteine.
Molecular consequence: missense variant.
Genome position (GRCh38, 1-based): chr3:64,551,029, G>A on the plus strand (C>T on the coding strand, the complement: ADAMTS9 is on the minus strand). VCF-style: chr3-64551029-G-A. GRCh37 (hg19) VCF-style: chr3-64536705-G-A.
Other names: c.4648C>T, p.Arg1550Cys (NM_001318781.2); short protein forms R1550C, R1578C.
Identifiers: ClinVar variation 4849724 (VCV004849724.1).

ClinVar aggregate classification (germline): Uncertain significance (1 of 4 stars; one submission).

Conditions:
Nephronophthisis. Also called: Juvenile Nephronophthisis. Identifiers: Orphanet 655, MedGen C0687120, MONDO:0019005, HP:0000090.

gnomAD v4.1: 3 of 1,613,990 alleles (0.00019%); highest among the groups gnomAD compares: African/African-American, 0.0013%; no homozygotes.

Submission:

Diagnostics Services (NGS), CSIR - Centre For Cellular And Molecular Biology
Classification: Uncertain significance for Nephronophthisis. Last evaluated: 2026-04-01. Review status: criteria provided, single submitter. Criteria: ACMG Guidelines, 2015. Collection method: clinical testing. Allele origin: germline. Affected: no. Observed: 2 variant alleles, 2 heterozygotes.
Comment: Homozygous or compound heterozygous variations in the ADAMTS9 gene (MIM*605421) have been reported in literature to cause Nephronophthisis-related ciliopathies [PMID: 30609407, 41542618] and Joubert syndrome-related disorders without renal manifestation [PMID: 34750010]. The c.4732C>T variant is not present in publicly available population databases like 1000 Genomes, EVS, gnomAD, Indian Exome Database and in our internal database. This variant has neither been reported in the literature in individuals affected with ADAMTS9-related conditions nor reported to the clinical databases like Human Genome Mutation Database (HGMD), ClinVar or OMIM in any affected individuals. In-silico pathogenicity prediction programs like SIFT, Polyphen-2, MutationTaster2, CADD, etc predicted this variant to be likely deleterious however these predictions were not confirmed by published functional studies. This variant was identified in a couple as a part of carrier screening.

Literature cited by the submitters: PubMed 30609407; PubMed 41542618.